The following is an entry in ClinVar:

NM_052844.4(DYNC2I2):c.218C>A (p.Ala73Asp)

Gene: DYNC2I2 (dynein 2 intermediate chain 2; minus strand). Cytogenetic location: 9q34.11.
Variant type: single nucleotide variant.
Coding change: c.218C>A on transcript NM_052844.4 (MANE Select); coding-DNA position 218, C replaced by A.
Protein change: p.Ala73Asp; replaces alanine 73 with aspartic acid.
Molecular consequence: missense variant.
Genome position (GRCh38, 1-based): chr9:128,640,908, G>T on the plus strand (C>A on the coding strand, the complement: DYNC2I2 is on the minus strand). VCF-style: chr9-128640908-G-T. GRCh37 (hg19) VCF-style: chr9-131403187-G-T.
Other names: short protein forms A73D.
Identifiers: ClinVar variation 2620311 (VCV002620311.3), dbSNP rs769830006, ClinGen allele CA5266699.

ClinVar aggregate classification (germline): Uncertain significance. Review status: criteria provided, multiple submitters, no conflicts (2 of 4 stars). 2 submissions from 2 submitters: Uncertain significance (2). Last evaluated 2023-12-03.

Conditions:
Short-rib thoracic dysplasia 11 with or without polydactyly (SRTD11). Also called: SHORT-RIB THORACIC DYSPLASIA 11 WITHOUT POLYDACTYLY. Identifiers: Orphanet 474, Orphanet 93271, MedGen C3810200, MONDO:0014287, OMIM 615633.
Inborn genetic diseases. Identifiers: MedGen C0950123, MeSH D030342.

Allele frequency attached by ClinVar (database versions not stated): TOPMed below 0.00001.
gnomAD v4.1: 11 of 1,603,502 alleles (0.00069%); highest among the groups gnomAD compares: Non-Finnish European, 0.00094%; no homozygotes.

Submissions (2):

Labcorp Genetics (formerly Invitae), Labcorp
Classification: Uncertain significance for Short-rib thoracic dysplasia 11 with or without polydactyly. Last evaluated: 2023-12-03. Review status: criteria provided, single submitter. Criteria: Invitae Variant Classification Sherloc (09022015). Collection method: clinical testing. Allele origin: germline.
Comment: This sequence change replaces alanine, which is neutral and non-polar, with aspartic acid, which is acidic and polar, at codon 73 of the WDR34 protein (p.Ala73Asp). This variant is present in population databases (rs769830006, gnomAD 0.003%). This variant has not been reported in the literature in individuals affected with WDR34-related conditions. An algorithm developed to predict the effect of missense changes on protein structure and function (PolyPhen-2) suggests that this variant¬†is likely to be tolerated. In summary, the available evidence is currently insufficient to determine the role of this variant in disease. Therefore, it has been classified as a Variant of Uncertain Significance.

Ambry Genetics
Classification: Uncertain significance for Inborn genetic diseases. Last evaluated: 2023-08-21. Review status: criteria provided, single submitter. Criteria: Ambry Variant Classification Scheme 2023. Collection method: clinical testing. Allele origin: germline.